The following is an entry in ClinVar:

ClinVar aggregate classification (germline): Uncertain significance (1 of 4 stars; one submission).

Conditions:
Hyperkalemic periodic paralysis. Also called: Familial hyperkalemic periodic paralysis; Gamstorp disease. Identifiers: Orphanet 682, MedGen C0238357, MONDO:0008224, OMIM 170500, HP:0007215.

Submission:

Labcorp Genetics (formerly Invitae), Labcorp
Classification: Uncertain significance for Hyperkalemic periodic paralysis. Last evaluated: 2026-01-25. Review status: criteria provided, single submitter. Criteria: Invitae Variant Classification Sherloc (09022015). Collection method: clinical testing. Allele origin: germline.
Comment: This sequence change replaces aspartic acid, which is acidic and polar, with alanine, which is neutral and non-polar, at codon 746 of the SCN4A protein (p.Asp746Ala). This variant is not present in population databases (gnomAD no frequency). This variant has not been reported in the literature in individuals affected with SCN4A-related conditions. Invitae Evidence Modeling of protein sequence and biophysical properties (such as structural, functional, and spatial information, amino acid conservation, physicochemical variation, residue mobility, and thermodynamic stability) indicates that this missense variant is expected to disrupt SCN4A protein function with a positive predictive value of 95%. In summary, the available evidence is currently insufficient to determine the role of this variant in disease. Therefore, it has been classified as a Variant of Uncertain Significance.

NM_000334.4(SCN4A):c.2237A>C (p.Asp746Ala)

Genes: GH-LCR (growth hormone locus control region; plus strand), SCN4A (sodium voltage-gated channel alpha subunit 4; minus strand). Cytogenetic location: 17q23.3.
Variant type: single nucleotide variant.
Coding change: c.2237A>C on transcript NM_000334.4 (MANE Select); coding-DNA position 2237, A replaced by C.
Protein change: p.Asp746Ala; replaces aspartic acid 746 with alanine.
Molecular consequence: missense variant.
Genome position (GRCh38, 1-based): chr17:63,957,301, T>G on the plus strand (A>C on the coding strand, the complement: SCN4A is on the minus strand). VCF-style: chr17-63957301-T-G. GRCh37 (hg19) VCF-style: chr17-62034661-T-G.
Other names: short protein forms D746A.
Identifiers: ClinVar variation 4746995 (VCV004746995.1).